The following is an entry in ClinVar:

ClinVar aggregate classification (germline): Uncertain significance (1 of 4 stars; one submission).

Submission:

Labcorp Genetics (formerly Invitae), Labcorp
Classification: Uncertain significance. Last evaluated: 2023-04-25. Review status: criteria provided, single submitter. Criteria: Invitae Variant Classification Sherloc (09022015). Collection method: clinical testing. Allele origin: germline.
Comment: This sequence change replaces glycine, which is neutral and non-polar, with arginine, which is basic and polar, at codon 938 of the LTBP2 protein (p.Gly938Arg). An algorithm developed to predict the effect of missense changes on protein structure and function (PolyPhen-2) suggests that this variant is likely to be disruptive. This variant has not been reported in the literature in individuals affected with LTBP2-related conditions. This variant is not present in population databases (gnomAD no frequency). In summary, the available evidence is currently insufficient to determine the role of this variant in disease. Therefore, it has been classified as a Variant of Uncertain Significance.

NM_000428.3(LTBP2):c.2812G>A (p.Gly938Arg)

Gene: LTBP2 (latent transforming growth factor beta binding protein 2; minus strand). Cytogenetic location: 14q24.3.
Variant type: single nucleotide variant.
Coding change: c.2812G>A on transcript NM_000428.3 (MANE Select); coding-DNA position 2812, G replaced by A.
Protein change: p.Gly938Arg; replaces glycine 938 with arginine.
Molecular consequence: missense variant.
Genome position (GRCh38, 1-based): chr14:74,516,918, C>T on the plus strand (G>A on the coding strand, the complement: LTBP2 is on the minus strand). VCF-style: chr14-74516918-C-T. GRCh37 (hg19) VCF-style: chr14-74983621-C-T.
Other names: short protein forms G938R.
Identifiers: ClinVar variation 2802268 (VCV002802268.3), dbSNP rs1159477280, ClinGen allele CA390390747.